The following is an entry in ClinVar:

NM_001046.3(SLC12A2):c.309_320del (p.Ala104_Ala107del)

Genes: SLC12A2 (solute carrier family 12 member 2; plus strand), LOC129994526 (ATAC-STARR-seq lymphoblastoid silent region 16295; plus strand). Cytogenetic location: 5q23.3.
Variant type: Deletion.
Coding change: c.309_320del on transcript NM_001046.3 (MANE Select); coding-DNA positions 309 to 320, 12 bases deleted (AGCGGCGGCGGC).
Protein change: p.Ala104_Ala107del.
Molecular consequence: inframe deletion. On other transcripts: non-coding transcript variant (1).
Genome position (GRCh38, 1-based): chr5:128,084,263-128,084,274, AGCGGCGGCGGC deleted; deleting any 12 consecutive bases within chr5:128,084,252-128,084,274 gives the same sequence; the c. name uses the placement nearest the transcript's 3' end. VCF-style (leftmost placement, unchanged base first): chr5-128084251-GGCGGCGGCGGCA-G. GRCh37 (hg19) VCF-style: chr5-127419943-GGCGGCGGCGGCA-G.
Other names: c.309_320del12 (NM_001046.2); c.309_320del, p.Ala104_Ala107del (NM_001256461.2).
Identifiers: ClinVar variation 1565987 (VCV001565987.33), dbSNP rs769579851, ClinGen allele CA3392765.
Genomic context (GRCh38, chr5:128,084,251, plus strand): 5'-CCGTTTCCAGGTGGACCTGGTTTCCGAGAACGCCGGGCGGGCCGCTGCTGCGGCGGCGGC[GGCGGCGGCGGCA>G]GCGGCGGCGGCTGGTGCTGGGGCGGGGGCCAAGCAGACCCCCGCGGACGGGGAAGCCAGC-3'

ClinVar aggregate classification (germline): Benign/Likely benign. Review status: criteria provided, multiple submitters, no conflicts (2 of 4 stars). 4 submissions from 4 submitters: Benign (1); Likely benign (2). 1 of the submissions does not count toward it. Last evaluated 2026-03-01.

Conditions:
SLC12A2-related disorder. Also called: SLC12A2-related disorders; SLC12A2-related condition.
Inborn genetic diseases. Identifiers: MedGen C0950123, MeSH D030342.

Submissions (4):

CeGaT Center for Human Genetics Tuebingen
Classification: Benign. Last evaluated: 2026-03-01. Review status: criteria provided, single submitter. Criteria: CeGaT Center For Human Genetics Tuebingen Variant Classification Criteria Version 2. Collection method: clinical testing. Allele origin: germline. Affected: yes. Observed: 4 variant alleles.
Comment: SLC12A2: BS1, BS2

Labcorp Genetics (formerly Invitae), Labcorp
Classification: Likely benign. Last evaluated: 2026-01-19. Review status: criteria provided, single submitter. Criteria: Invitae Variant Classification Sherloc (09022015). Collection method: clinical testing. Allele origin: germline.

Ambry Genetics
Classification: Likely benign for Inborn genetic diseases. Last evaluated: 2021-09-01. Review status: criteria provided, single submitter. Criteria: Ambry Variant Classification Scheme 2023. Collection method: clinical testing. Allele origin: germline.

PreventionGenetics, part of Exact Sciences
Classification: Likely benign for SLC12A2-related condition. Last evaluated: 2024-02-19. Review status: no assertion criteria provided. Collection method: clinical testing. Allele origin: germline. Not counted in ClinVar's aggregate classification.
Comment: This variant is classified as likely benign based on ACMG/AMP sequence variant interpretation guidelines (Richards et al. 2015 PMID: 25741868, with internal and published modifications).